The following is an entry in ClinVar:

ClinVar aggregate classification (germline): Uncertain significance (1 of 4 stars; one submission).

Conditions:
Vici syndrome (VICIS). Identifiers: Orphanet 1493, MedGen C1855772, MONDO:0009452, OMIM 242840.

Submission:

Labcorp Genetics (formerly Invitae), Labcorp
Classification: Uncertain significance for Vici syndrome. Last evaluated: 2024-10-24. Review status: criteria provided, single submitter. Criteria: Invitae Variant Classification Sherloc (09022015). Collection method: clinical testing. Allele origin: germline.
Comment: This sequence change replaces isoleucine, which is neutral and non-polar, with methionine, which is neutral and non-polar, at codon 846 of the EPG5 protein (p.Ile846Met). This variant is not present in population databases (gnomAD no frequency). This variant has not been reported in the literature in individuals affected with EPG5-related conditions. ClinVar contains an entry for this variant (Variation ID: 2118050). Invitae Evidence Modeling of protein sequence and biophysical properties (such as structural, functional, and spatial information, amino acid conservation, physicochemical variation, residue mobility, and thermodynamic stability) has been performed for this missense variant. However, the output from this modeling did not meet the statistical confidence thresholds required to predict the impact of this variant on EPG5 protein function. In summary, the available evidence is currently insufficient to determine the role of this variant in disease. Therefore, it has been classified as a Variant of Uncertain Significance.

NM_020964.3(EPG5):c.2538T>G (p.Ile846Met)

Gene: EPG5 (ectopic P-granules 5 autophagy tethering factor; minus strand). Cytogenetic location: 18q21.1.
Variant type: single nucleotide variant.
Coding change: c.2538T>G on transcript NM_020964.3 (MANE Select); coding-DNA position 2538, T replaced by G.
Protein change: p.Ile846Met; replaces isoleucine 846 with methionine.
Molecular consequence: missense variant.
Genome position (GRCh38, 1-based): chr18:45,928,884, A>C on the plus strand (T>G on the coding strand, the complement: EPG5 is on the minus strand). VCF-style: chr18-45928884-A-C. GRCh37 (hg19) VCF-style: chr18-43508850-A-C.
Other names: c.2538T>G, p.Ile846Met (NM_001410858.1, NM_001410859.1); short protein forms I846M.
Identifiers: ClinVar variation 2118050 (VCV002118050.4), dbSNP rs2511908123, ClinGen allele CA402346432.